The following is an entry in ClinVar:

ClinVar aggregate classification (germline): Uncertain significance (1 of 4 stars; one submission).

Conditions:
Biotin-responsive basal ganglia disease (BTBGD). Also called: Thiamine metabolism dysfunction syndrome type 2; Thiamine Transporter-2 Deficiency; thiamine-responsive encephalopathy; THIAMINE METABOLISM DYSFUNCTION SYNDROME 2 (BIOTIN- AND THIAMINE-RESPONSIVE TYPE); Thiamine metabolism dysfunction syndrome 2 (biotin- or thiamine-responsive encephalopathy type 2). Identifiers: Orphanet 199348, Orphanet 65284, MedGen C1843807, MONDO:0011841, OMIM 607483.

Submission:

Labcorp Genetics (formerly Invitae), Labcorp
Classification: Uncertain significance for Biotin-responsive basal ganglia disease. Last evaluated: 2020-11-11. Review status: criteria provided, single submitter. Criteria: Invitae Variant Classification Sherloc (09022015). Collection method: clinical testing. Allele origin: germline.
Comment: In summary, the available evidence is currently insufficient to determine the role of this variant in disease. Therefore, it has been classified as a Variant of Uncertain Significance. Algorithms developed to predict the effect of missense changes on protein structure and function output the following: SIFT: "Deleterious"; PolyPhen-2: "Benign"; Align-GVGD: "Class C0". The phenylalanine amino acid residue is found in multiple mammalian species, suggesting that this missense change does not adversely affect protein function. These predictions have not been confirmed by published functional studies and their clinical significance is uncertain. This variant has not been reported in the literature in individuals with SLC19A3-related disease. This variant is not present in population databases (ExAC no frequency). This sequence change replaces valine with phenylalanine at codon 351 of the SLC19A3 protein (p.Val351Phe). The valine residue is weakly conserved and there is a small physicochemical difference between valine and phenylalanine.

NM_025243.4(SLC19A3):c.1051G>T (p.Val351Phe)

Gene: SLC19A3 (solute carrier family 19 member 3; minus strand). Cytogenetic location: 2q36.3.
Variant type: single nucleotide variant.
Coding change: c.1051G>T on transcript NM_025243.4 (MANE Select); coding-DNA position 1051, G replaced by T.
Protein change: p.Val351Phe; replaces valine 351 with phenylalanine.
Molecular consequence: missense variant.
Genome position (GRCh38, 1-based): chr2:227,696,010, C>A on the plus strand (G>T on the coding strand, the complement: SLC19A3 is on the minus strand). VCF-style: chr2-227696010-C-A. GRCh37 (hg19) VCF-style: chr2-228560726-C-A.
Other names: short protein forms V351F.
Identifiers: ClinVar variation 654702 (VCV000654702.11), dbSNP rs1574553914, ClinGen allele CA350875892.